The following is an entry in ClinVar:

ClinVar aggregate classification (germline): Conflicting classifications of pathogenicity. Review status: criteria provided, conflicting classifications (1 of 4 stars). 3 submissions from 3 submitters: Uncertain significance (1); Likely benign (2). Last evaluated 2025-03-19.

Conditions:
Nephronophthisis 14 (NPHP14). Identifiers: Orphanet 2318, MedGen C3539071, MONDO:0013916, OMIM 614844.

Allele frequency attached by ClinVar (database versions not stated): TOPMed 0.00002; 1000 Genomes Project 0.00040; 1000 Genomes Project 30x 0.00062.
gnomAD v4.1: 39 of 1,614,096 alleles (0.0024%); highest among the groups gnomAD compares: East Asian, 0.058%; no homozygotes.

Submissions (3):

Ambry Genetics
Classification: Likely benign. Last evaluated: 2025-03-19. Review status: criteria provided, single submitter. Criteria: Ambry Variant Classification Scheme 2023. Collection method: clinical testing. Allele origin: germline.

Blueprint Genetics
Classification: Likely benign. Last evaluated: 2023-05-08. Review status: criteria provided, single submitter. Criteria: ACMG Guidelines, 2015. Collection method: clinical testing. Allele origin: germline.

Labcorp Genetics (formerly Invitae), Labcorp
Classification: Uncertain significance for Nephronophthisis 14. Last evaluated: 2022-08-31. Review status: criteria provided, single submitter. Criteria: Invitae Variant Classification Sherloc (09022015). Collection method: clinical testing. Allele origin: germline.
Comment: This sequence change replaces alanine, which is neutral and non-polar, with threonine, which is neutral and polar, at codon 434 of the ZNF423 protein (p.Ala434Thr). This variant is present in population databases (rs201914334, gnomAD 0.08%). This variant has not been reported in the literature in individuals affected with ZNF423-related conditions. ClinVar contains an entry for this variant (Variation ID: 850212). Algorithms developed to predict the effect of missense changes on protein structure and function (SIFT, PolyPhen-2, Align-GVGD) all suggest that this variant is likely to be tolerated. In summary, the available evidence is currently insufficient to determine the role of this variant in disease. Therefore, it has been classified as a Variant of Uncertain Significance.

NM_001379286.1(ZNF423):c.1324G>A (p.Ala442Thr)

Gene: ZNF423 (zinc finger protein 423; minus strand). Cytogenetic location: 16q12.1.
Variant type: single nucleotide variant.
Coding change: c.1324G>A on transcript NM_001379286.1 (MANE Select); coding-DNA position 1324, G replaced by A.
Protein change: p.Ala442Thr; replaces alanine 442 with threonine.
Molecular consequence: missense variant.
Genome position (GRCh38, 1-based): chr16:49,637,852, C>T on the plus strand (G>A on the coding strand, the complement: ZNF423 is on the minus strand). VCF-style: chr16-49637852-C-T. GRCh37 (hg19) VCF-style: chr16-49671763-C-T.
Other names: c.1120G>A, p.Ala374Thr (NM_001271620.2); c.949G>A, p.Ala317Thr (NM_001330533.2); c.1300G>A, p.Ala434Thr (NM_015069.5); c.1300G>A (NM_015069.2); short protein forms A374T, A434T, A317T, A442T.
Identifiers: ClinVar variation 850212 (VCV000850212.10), dbSNP rs201914334, ClinGen allele CA8046704.